The following is an entry in ClinVar:

NM_033109.5(PNPT1):c.2182G>A (p.Gly728Ser)

Gene: PNPT1 (polyribonucleotide nucleotidyltransferase 1; minus strand). Cytogenetic location: 2p16.1.
Variant type: single nucleotide variant.
Coding change: c.2182G>A on transcript NM_033109.5 (MANE Select); coding-DNA position 2182, G replaced by A.
Protein change: p.Gly728Ser; replaces glycine 728 with serine.
Molecular consequence: missense variant.
Genome position (GRCh38, 1-based): chr2:55,637,566, C>T on the plus strand (G>A on the coding strand, the complement: PNPT1 is on the minus strand). VCF-style: chr2-55637566-C-T. GRCh37 (hg19) VCF-style: chr2-55864701-C-T.
Other names: short protein forms G728S.
Identifiers: ClinVar variation 3906987 (VCV003906987.1).
Genomic context (GRCh38, chr2:55,637,566, plus strand): 5'-CAAGAACAATTTACAACTTCAAGGCTAAAAGGTGGAATACAAATACCTGAATTTCTTGGC[C>T]AACTTCTAATCCTAGGGCAGTAGGATGTTTAATCTGGAAAAAAAAATGTTAATCTATTAG-3'
Protein context (NP_149100.2, residues 718-738): KHPTALGLEV[Gly728Ser]QEIQVKYFGR

ClinVar aggregate classification (germline): Uncertain significance (1 of 4 stars; one submission).

Conditions:
Spinocerebellar ataxia type 25. Identifiers: Orphanet 101111, MedGen C1837518, MONDO:0012103, OMIM 608703.

gnomAD v4.1: 2 of 1,604,772 alleles (0.00012%); highest among the groups gnomAD compares: Non-Finnish European, 0.00017%; no homozygotes.

Submission:

Institute of Human Genetics, University of Goettingen
Classification: Uncertain significance for Spinocerebellar ataxia type 25. Review status: criteria provided, single submitter. Criteria: ACMG Guidelines, 2015. Collection method: clinical testing. Allele origin: unknown. Affected: yes.
Comment: The c.2182G>A p.Gly728Ser rs139578402 variant on the PNPT1 gene is a missense variant. It is present in the general population with a minor allele frequency of 0.00013% as reported in the Genome Aggregation Database (gnomAD), with no reported homozygous individuals. Computational predictive tools have generated the following scores: CADD=32.0, REVEL=0.579. The variant has been classified according to the American College of Medical Genetics and Genomics (ACMG)/Association for Molecular Pathology (AMP) criteria as uncertain significance for four MedGen conditions. The most severe classification of uncertain significance has been assigned to the condition known as autosomal recessive nonsyndromic hearing loss 70. For this condition, the variant met the following ACMG/AMP criteria: PM2 (downgraded to supporting evidence) and PP3 (upgraded to moderate evidence).